The following is an entry in ClinVar:

ClinVar aggregate classification (germline): Likely benign (1 of 4 stars; one submission).

Allele frequency attached by ClinVar (database versions not stated): gnomAD 0.03038 and 0.03168; TOPMed 0.03189; 1000 Genomes Project 0.04133; 1000 Genomes Project 30x 0.04154.
gnomAD v4.1: 4,736 of 150,112 alleles (3.2%); highest among the groups gnomAD compares: South Asian, 8.2%; 95 homozygotes.

Submission:

GeneDx
Classification: Likely benign. Last evaluated: 2018-06-14. Review status: criteria provided, single submitter. Criteria: GeneDx Variant Classification (06012015). Collection method: clinical testing. Allele origin: germline. Affected: yes.
Comment: This variant is considered likely benign or benign based on one or more of the following criteria: it is a conservative change, it occurs at a poorly conserved position in the protein, it is predicted to be benign by multiple in silico algorithms, and/or has population frequency not consistent with disease.

NM_015631.6(TCTN3):c.1453-325G>T

Gene: TCTN3 (tectonic family member 3; minus strand). Cytogenetic location: 10q24.1.
Variant type: single nucleotide variant.
Coding change: c.1453-325G>T on transcript NM_015631.6 (MANE Select); 325 bases into the intron before coding-DNA position 1453, G replaced by T.
Molecular consequence: intron variant.
Genome position (GRCh38, 1-based): chr10:95,680,934, C>A on the plus strand (G>T on the coding strand, the complement: TCTN3 is on the minus strand). VCF-style: chr10-95680934-C-A. GRCh37 (hg19) VCF-style: chr10-97440691-C-A.
Other names: c.1009-325G>T (NM_001143973.2).
Identifiers: ClinVar variation 672423 (VCV000672423.1), dbSNP rs111513270, ClinGen allele CA13199824.